The following is an entry in ClinVar:

ClinVar aggregate classification (germline): Conflicting classifications of pathogenicity. Review status: criteria provided, conflicting classifications (1 of 4 stars). 7 submissions from 7 submitters: Uncertain significance (1); Benign (2); Likely benign (3). 1 of the submissions does not count toward it. Last evaluated 2026-09-01.

Conditions:
GHRHR-related disorder. Also called: GHRHR-related condition.
Isolated growth hormone deficiency type IB (IGHD1B). Also called: IGHD 1B; IGHD IB. Identifiers: Orphanet 231671, Orphanet 631, MedGen C2748571, MONDO:0013006, OMIM 612781.

Allele frequency attached by ClinVar (database versions not stated): gnomAD exomes 0.00166 and 0.00180; ExAC 0.00196; 1000 Genomes Project 0.00359; 1000 Genomes Project 30x 0.00390; gnomAD 0.00426 and 0.00461; TOPMed 0.00478; ESP Exome Variant Server 0.00507.

Submissions (7):

CeGaT Center for Human Genetics Tuebingen
Classification: Likely benign. Last evaluated: 2026-09-01. Review status: criteria provided, single submitter. Criteria: CeGaT Center For Human Genetics Tuebingen Variant Classification Criteria Version 2. Collection method: clinical testing. Allele origin: germline. Affected: yes. Observed: 1 variant allele.
Comment: GHRHR: BP4, BP7, BS1

Labcorp Genetics (formerly Invitae), Labcorp
Classification: Benign. Last evaluated: 2026-01-27. Review status: criteria provided, single submitter. Criteria: Invitae Variant Classification Sherloc (09022015). Collection method: clinical testing. Allele origin: germline.

Women's Health and Genetics/Laboratory Corporation of America, LabCorp
Classification: Likely benign. Last evaluated: 2024-12-06. Review status: criteria provided, single submitter. Criteria: LabCorp Variant Classification Summary - May 2015. Collection method: clinical testing. Allele origin: germline.

Blueprint Genetics
Classification: Likely benign. Last evaluated: 2024-10-18. Review status: criteria provided, single submitter. Criteria: ACMG Guidelines, 2015. Collection method: clinical testing. Allele origin: germline.

Illumina Laboratory Services, Illumina
Classification: Uncertain significance for Isolated growth hormone deficiency type IB. Last evaluated: 2018-01-13. Review status: criteria provided, single submitter. Criteria: ICSL Variant Classification Criteria 13 December 2019. Collection method: clinical testing. Allele origin: germline.

Eurofins Ntd Llc (ga)
Classification: Benign. Last evaluated: 2015-12-17. Review status: criteria provided, single submitter. Criteria: EGL Classification Definitions 2015. Collection method: clinical testing. Allele origin: germline. Observed: 1 variant allele, 1 heterozygote.

PreventionGenetics, part of Exact Sciences
Classification: Benign for GHRHR-related condition. Last evaluated: 2019-04-12. Review status: no assertion criteria provided. Collection method: clinical testing. Allele origin: germline. Not counted in ClinVar's aggregate classification.
Comment: This variant is classified as benign based on ACMG/AMP sequence variant interpretation guidelines (Richards et al. 2015 PMID: 25741868, with internal and published modifications).

NM_000823.4(GHRHR):c.741C>T (p.Leu247=)

Gene: GHRHR (growth hormone releasing hormone receptor; plus strand). Cytogenetic location: 7p14.3.
Variant type: single nucleotide variant.
Coding change: c.741C>T on transcript NM_000823.4 (MANE Select); coding-DNA position 741, C replaced by T.
Protein change: p.Leu247=; no amino-acid change (leucine 247 retained).
Molecular consequence: synonymous variant.
Genome position (GRCh38, 1-based): chr7:30,974,128, C>T. VCF-style: chr7-30974128-C-T. GRCh37 (hg19) VCF-style: chr7-31013743-C-T.
Identifiers: ClinVar variation 284569 (VCV000284569.22), dbSNP rs151019928, ClinGen allele CA4208611.
Genomic context (GRCh38, chr7:30,974,128, plus strand): 5'-GAACTGCCTCCTGGCCTCCACCTCCCCCAGCTCAAGGAGAGCCTTCTGGTGGCTGGTTCT[C>T]GCTGGCTGGGGTGAGCACTGAGGGCGGGTTGGGCACCATGGGGAGGTAAAGGGCTGGAAA-3'
Protein context (NP_000814.2, residues 237-257): SSRRAFWWLV[Leu247=]AGWGLPVLFT